The following is an entry in ClinVar:

ClinVar aggregate classification (germline): Uncertain significance (1 of 4 stars; one submission).

Conditions:
Hereditary cancer-predisposing syndrome. Also called: Tumor predisposition; Neoplastic Syndromes, Hereditary; Hereditary neoplastic syndrome; Hereditary Cancer Syndrome. Identifiers: Orphanet 140162, MedGen C0027672, MeSH D009386, MONDO:0015356.

Submission:

Ambry Genetics
Classification: Uncertain significance for Hereditary cancer-predisposing syndrome. Last evaluated: 2024-07-17. Review status: criteria provided, single submitter. Criteria: Ambry Variant Classification Scheme 2023. Collection method: clinical testing. Allele origin: germline.
Comment: The p.D42E variant (also known as c.126T>A), located in coding exon 3 of the XRCC2 gene, results from a T to A substitution at nucleotide position 126. The aspartic acid at codon 42 is replaced by glutamic acid, an amino acid with highly similar properties. This amino acid position is conserved. In addition, this alteration is predicted to be tolerated by in silico analysis. Based on the available evidence, the clinical significance of this variant remains unclear.

NM_005431.2(XRCC2):c.126T>A (p.Asp42Glu)

Gene: XRCC2 (X-ray repair cross complementing 2; minus strand). Cytogenetic location: 7q36.1.
Variant type: single nucleotide variant.
Coding change: c.126T>A on transcript NM_005431.2 (MANE Select); coding-DNA position 126, T replaced by A.
Protein change: p.Asp42Glu; replaces aspartic acid 42 with glutamic acid.
Molecular consequence: missense variant.
Genome position (GRCh38, 1-based): chr7:152,649,359, A>T on the plus strand (T>A on the coding strand, the complement: XRCC2 is on the minus strand). VCF-style: chr7-152649359-A-T. GRCh37 (hg19) VCF-style: chr7-152346444-A-T.
Other names: short protein forms D42E.
Identifiers: ClinVar variation 3471461 (VCV003471461.1).